The following is an entry in ClinVar:

ClinVar aggregate classification (germline): Benign. Review status: criteria provided, multiple submitters, no conflicts (2 of 4 stars). 3 submissions from 3 submitters: Benign (2). 1 of the submissions does not count toward it. Last evaluated 2021-06-09.

Conditions:
NLRP14-related disorder. Also called: NLRP14-related condition.

Allele frequency attached by ClinVar (database versions not stated): ESP Exome Variant Server 0.96368; TOPMed 0.96418; 1000 Genomes Project 30x 0.96471; 1000 Genomes Project 0.96605; gnomAD 0.96637 and 0.96856; gnomAD exomes 0.99699 and 0.99142; ExAC 0.98961.

Submissions (3):

GeneDx
Classification: Benign. Last evaluated: 2021-06-09. Review status: criteria provided, single submitter. Criteria: GeneDx Variant Classification Process June 2021. Collection method: clinical testing. Allele origin: germline. Affected: yes.

Breakthrough Genomics
Classification: Benign. Review status: criteria provided, single submitter. Criteria: ACMG Guidelines, 2015. Collection method: not provided. Allele origin: germline. Inheritance: Unknown mechanism. Affected: yes.

PreventionGenetics, part of Exact Sciences
Classification: Benign for NLRP14-related condition. Last evaluated: 2019-10-24. Review status: no assertion criteria provided. Collection method: clinical testing. Allele origin: germline. Not counted in ClinVar's aggregate classification.
Comment: This variant is classified as benign based on ACMG/AMP sequence variant interpretation guidelines (Richards et al. 2015 PMID: 25741868, with internal and published modifications).

NM_176822.4(NLRP14):c.143A>C (p.Asn48Thr)

Gene: NLRP14 (NLR family pyrin domain containing 14; plus strand). Cytogenetic location: 11p15.4.
Variant type: single nucleotide variant.
Coding change: c.143A>C on transcript NM_176822.4 (MANE Select); coding-DNA position 143, A replaced by C.
Protein change: p.Asn48Thr; replaces asparagine 48 with threonine.
Molecular consequence: missense variant.
Genome position (GRCh38, 1-based): chr11:7,038,729, A>C. VCF-style: chr11-7038729-A-C. GRCh37 (hg19) VCF-style: chr11-7059960-A-C.
Other names: short protein forms N48T.
Identifiers: ClinVar variation 1234647 (VCV001234647.6), dbSNP rs12801277, ClinGen allele CA5864484.